The following is an entry in ClinVar:

NM_003482.4(KMT2D):c.14316A>G (p.Thr4772=)

Gene: KMT2D (lysine methyltransferase 2D; minus strand). Cytogenetic location: 12q13.12.
Variant type: single nucleotide variant.
Coding change: c.14316A>G on transcript NM_003482.4 (MANE Select); coding-DNA position 14316, A replaced by G.
Protein change: p.Thr4772=; no amino-acid change (threonine 4772 retained).
Molecular consequence: synonymous variant.
Genome position (GRCh38, 1-based): chr12:49,028,894, T>C on the plus strand (A>G on the coding strand, the complement: KMT2D is on the minus strand). VCF-style: chr12-49028894-T-C. GRCh37 (hg19) VCF-style: chr12-49422677-T-C.
Identifiers: ClinVar variation 4997021 (VCV004997021.1).

ClinVar aggregate classification (germline): Likely benign (1 of 4 stars; one submission).

Conditions:
KMT2D-related disorder. Also called: KMT2D-Related Disorders.

Submission:

PreventionGenetics, part of Exact Sciences
Classification: Likely benign for KMT2D-related condition. Last evaluated: 2024-10-14. Review status: criteria provided, single submitter. Criteria: ACMG Guidelines, 2015. Collection method: clinical testing. Allele origin: germline.
Comment: This variant is classified as likely benign based on ACMG/AMP sequence variant interpretation guidelines (Richards et al. 2015 PMID: 25741868, with internal and published modifications).